The following is an entry in ClinVar:

NM_003001.5(SDHC):c.482T>C (p.Leu161Ser)

Gene: SDHC (succinate dehydrogenase complex subunit C; plus strand). Cytogenetic location: 1q23.3.
Variant type: single nucleotide variant.
Coding change: c.482T>C on transcript NM_003001.5 (MANE Select); coding-DNA position 482, T replaced by C.
Protein change: p.Leu161Ser; replaces leucine 161 with serine.
Molecular consequence: missense variant. On other transcripts: synonymous variant (3), non-coding transcript variant (1).
Genome position (GRCh38, 1-based): chr1:161,362,405, T>C. VCF-style: chr1-161362405-T-C. GRCh37 (hg19) VCF-style: chr1-161332195-T-C.
Other names: c.318T>C, p.Val106= (NM_001035511.3); c.380T>C, p.Leu127Ser (NM_001035512.3); c.323T>C, p.Leu108Ser (NM_001035513.3); c.216T>C, p.Val72= (NM_001278172.3); c.602T>C, p.Leu201Ser (NM_001407115.1); c.425T>C, p.Leu142Ser (NM_001407116.1); c.419T>C, p.Leu140Ser (NM_001407117.1); c.374T>C, p.Leu125Ser (NM_001407118.1); and 2 more; short protein forms L108S, L124S, L125S, L127S, L140S, L142S, L161S, L201S.
Identifiers: ClinVar variation 3385997 (VCV003385997.2).

ClinVar aggregate classification (germline): Uncertain significance. Review status: criteria provided, multiple submitters, no conflicts (2 of 4 stars). 2 submissions from 2 submitters: Uncertain significance (2). Last evaluated 2024-06-12.

Conditions:
Hereditary pheochromocytoma and paraganglioma. Also called: Hereditary Paraganglioma-Pheochromocytoma Syndromes; Hereditary pheochromocytoma-paraganglioma; Hereditary paragangliomas and pheochromocytomas. Identifiers: Orphanet 29072, MedGen C4274332, MONDO:0017366.

Submissions (2):

Color Diagnostics, LLC DBA Color Health
Classification: Uncertain significance for Hereditary pheochromocytoma and paraganglioma. Last evaluated: 2024-06-12. Review status: criteria provided, single submitter. Criteria: ACMG Guidelines, 2015. Collection method: clinical testing. Allele origin: germline.
Comment: This missense variant replaces leucine with serine at codon 161 of the SDHC protein. Computational prediction suggests that this variant may have deleterious impact on protein structure and function (internally defined REVEL score threshold >= 0.7, PMID: 27666373). To our knowledge, functional studies have not been reported for this variant. This variant has not been reported in individuals affected with SDHC-related disorders in the literature. This variant has not been identified in the general population by the Genome Aggregation Database (gnomAD). The available evidence is insufficient to determine the role of this variant in disease conclusively. Therefore, this variant is classified as a Variant of Uncertain Significance.

All of Us Research Program, National Institutes of Health
Classification: Uncertain significance for Hereditary pheochromocytoma and paraganglioma. Last evaluated: 2024-03-28. Review status: criteria provided, single submitter. Criteria: ACMG Guidelines, 2015. Collection method: clinical testing. Allele origin: germline. Inheritance: Autosomal dominant inheritance. Observed: 1 variant allele, 1 heterozygote.
Comment: This study involves interpretation of variants in research participants for the purpose of population health screening. Participant phenotype was not available at the time of variant classification. Additional details can be found in publication PMID: 35346344, PMCID: PMC8962531